The following is an entry in ClinVar:

ClinVar aggregate classification (germline): Pathogenic/Likely pathogenic. Review status: criteria provided, multiple submitters, no conflicts (2 of 4 stars). 26 submissions from 26 submitters: Pathogenic (17); Likely pathogenic (2). 7 of the submissions do not count toward it. Last evaluated 2026-09-28.

Conditions:
PROM1-related disorder. Also called: PROM1-related disorders; PROM1-related condition.
Retinitis pigmentosa (RP). Identifiers: Orphanet 791, MedGen C0035334, MeSH D012174, MONDO:0019200, OMIM 268000. Inheritance: Autosomal dominant, autosomal recessive and X linked inheritance.
Autosomal recessive retinitis pigmentosa. Identifiers: MedGen C0339526.
Stargardt disease (FFM). Also called: Fundus flavimaculatus; Stargardt's disease. Identifiers: Orphanet 827, MedGen C0271093, MONDO:0019353.
Retinitis pigmentosa 41 (RP41). Also called: RETINAL DEGENERATION, AUTOSOMAL RECESSIVE, PROMININ-RELATED. Identifiers: Orphanet 791, MedGen C2677516, MONDO:0012796, OMIM 612095.
Cone-rod dystrophy 12 (CORD12). Identifiers: Orphanet 1872, MedGen C2675210, MONDO:0012983, OMIM 612657.
Retinal dystrophy. Also called: Inherited retinal dystrophy. Identifiers: Orphanet 71862, MedGen C0854723, MeSH D058499, MONDO:0019118, HP:0000556.
Cone-rod dystrophy 2 (CORD2). Also called: CONE-ROD RETINAL DYSTROPHY; Cone-rod retinal dystrophy 2. Identifiers: Orphanet 1872, MedGen C3489532, MONDO:0007362, OMIM 120970.
Retinal disorder. Also called: Retinopathies; Retinal Diseases; Retinal disorders; Retinopathy. Identifiers: MedGen C0035309, MONDO:0005283, HP:0000488.

Submissions 1 to 11 of 26:

Department of Molecular Genetics, Istishari Arab Hospital
Classification: Pathogenic for Retinitis pigmentosa 41. Last evaluated: 2026-09-28. Review status: criteria provided, single submitter. Criteria: ACMG Guidelines, 2015. Collection method: clinical testing. Allele origin: germline. Inheritance: Autosomal recessive inheritance. Affected: yes.
Comment: The PROM1 variant c.1354dup causes a frameshift at codon 452 and introduces a premature termination codon 13 amino acids downstream. The variant has previously been identified in individuals with autosomal recessive PROM1-related retinal disease (PMID: 17605048, 19718270, 24154662, 25474345, 27874104, 28041643). It is classified as pathogenic according to the recommendations of the ACMG/AMP/ClinGen SVI guidelines.

PreventionGenetics, part of Exact Sciences
Classification: Pathogenic for PROM1-related condition. Last evaluated: 2026-07-07. Review status: criteria provided, single submitter. Criteria: ACMG Guidelines, 2015. Collection method: clinical testing. Allele origin: germline.
Comment: The PROM1 c.1354dupT variant is predicted to result in a frameshift and premature protein termination (p.Tyr452Leufs*13). This variant has been reported many times in the homozygous and compound heterozygous states in individuals with retinal dystrophy (see for examples: referred to as c.1349insT in Pras et al. 2009. PubMed ID: 19718270; referred to as c.1354_1355insT in Wang et al. 2014. PubMed ID: 24154662). In vitro functional studies have shown that this variant impacts protein function (Puertas-Neyra et al. 2024. PubMed ID: 38956727). This variant is reported in 0.037% of alleles in individuals of Latino descent in gnomAD. Frameshift variants in PROM1 are an established mechanism of disease. Given the evidence, we interpret this variant as pathogenic for autosomal recessive disease.

Labcorp Genetics (formerly Invitae), Labcorp
Classification: Pathogenic. Last evaluated: 2025-12-03. Review status: criteria provided, single submitter. Criteria: Invitae Variant Classification Sherloc (09022015). Collection method: clinical testing. Allele origin: germline.
Comment: This sequence change creates a premature translational stop signal (p.Tyr452Leufs*13) in the PROM1 gene. It is expected to result in an absent or disrupted protein product. Loss-of-function variants in PROM1 are known to be pathogenic (PMID: 17605048, 19718270, 24154662, 25474345). This variant is present in population databases (rs543698823, gnomAD 0.04%). This premature translational stop signal has been observed in individual(s) with autosomal recessive cone-rod dystrophy, or retinal disease (PMID: 19718270, 24154662, 27874104, 28041643). It has also been observed to segregate with disease in related individuals. ClinVar contains an entry for this variant (Variation ID: 372711). For these reasons, this variant has been classified as Pathogenic.

Genetics Laboratory, Great Ormond Street Hospital NHS Foundation Trust, North Thames Genomic Laboratory Hub
Classification: Pathogenic for Retinal disorders. Last evaluated: 2025-11-10. Review status: criteria provided, single submitter. Criteria: ACGS Best Practice Guidelines for Variant Classification in Rare Disease 2024 v1.2. Collection method: clinical testing. Allele origin: germline. Affected: yes.
Comment: PS4_moderate, PM2_moderate, PVS1_very-strong, PM3_strong

Dasa
Classification: Pathogenic. Last evaluated: 2025-07-10. Review status: criteria provided, single submitter. Criteria: DASA Assertion Criteria. Collection method: clinical testing. Allele origin: germline.
Comment: NM_006017.3(PROM1):c.1354dup (p.Tyr452Leufs*13) introduces a premature termination codon predicted to result in loss of normal protein function. Loss-of-function is an established mechanism of disease for this gene. This variant has been recurrently observed in affected individuals with related phenotype in a genotype context consistent with recessive disease (PMID: 28041643; PMID: 24154662; PMID: 26103963; PMID: 27874104; PMID: 25999674). The variant is present at low frequency in population datasets. Based on the available data, this variant is classified as pathogenic.

CeGaT Center for Human Genetics Tuebingen
Classification: Pathogenic. Last evaluated: 2024-09-01. Review status: criteria provided, single submitter. Criteria: CeGaT Center For Human Genetics Tuebingen Variant Classification Criteria Version 2. Collection method: clinical testing. Allele origin: germline. Affected: yes. Observed: 6 variant alleles.
Comment: PROM1: PVS1, PM3:Strong, PM2, PP1:Moderate

Institute of Medical Genetics and Applied Genomics, University Hospital Tübingen
Classification: Pathogenic for Cone-rod dystrophy 12. Last evaluated: 2024-08-20. Review status: criteria provided, single submitter. Criteria: ACMG Guidelines, 2015. Collection method: clinical testing. Allele origin: germline. Inheritance: Autosomal recessive inheritance. Affected: yes.

Blueprint Genetics
Classification: Pathogenic for PROM1-related disorders. Last evaluated: 2024-05-27. Review status: criteria provided, single submitter. Criteria: ACMG Guidelines, 2015. Collection method: clinical testing. Allele origin: germline. Affected: yes. Observed: 5 variant alleles.

3billion
Classification: Pathogenic for Retinitis pigmentosa 41. Last evaluated: 2023-09-01. Review status: criteria provided, single submitter. Criteria: ACMG Guidelines, 2015. Collection method: clinical testing. Allele origin: germline. Affected: yes.
Comment: The variant is observed at an extremely low frequency in the gnomAD v2.1.1 dataset (total allele frequency: 0.021%). Predicted Consequence/Location: Frameshift: predicted to result in a loss or disruption of normal protein function through nonsense-mediated decay (NMD) or protein truncation. Multiple pathogenic variants are reported downstream of the variant. The variant has been reported at least twice as pathogenic with clinical assertions and evidence for the classification (ClinVar ID: VCV000372711 /PMID: 19718270 /3billion dataset). Therefore, this variant is classified as Pathogenic according to the recommendation of ACMG/AMP guideline.

Broad Center for Mendelian Genomics, Broad Institute of MIT and Harvard
Classification: Pathogenic for Cone-rod dystrophy 12. Last evaluated: 2023-05-02. Review status: criteria provided, single submitter. Criteria: ACMG Guidelines, 2015. Collection method: curation. Allele origin: germline. Inheritance: Autosomal recessive inheritance.
Comment: The p.Tyr452LeufsTer13 variant in PROM1 has been previously reported in 7 unrelated individuals with PROM1-associated retinopathy (PMID: 28041643, PMID: 19718270, PMID: 24154662, PMID: 26103963, PMID: 27874104, PMID: 25999674) and segregated with disease in 3 affected relatives from one family (PMID: 19718270) but has been identified in 0.05% (8/15262) of Latino/Admixed American chromosomes by the Genome Aggregation Database (gnomAD; dbSNP ID: rs543698823). Although this variant has been seen in the general population in a heterozygous state, its frequency is not high enough to rule out a pathogenic role. Of these 7 previously reported unrelated individuals with PROM1-associated retinopathy (PMID: 28041643, PMID: 19718270, PMID: 24154662, PMID: 26103963, PMID: 27874104, PMID: 25999674), 3 were homozygotes (PMID: 19718270, PMID: 26103963, PMID: 27874104) and 3 were compound heterozygotes who carried pathogenic or likely pathogenic variants with unknown phase (PMID: 28041643, ClinVar Variation ID: 236527; PMID: 24154662, ClinVar Variation ID: 438215; PMID: 26103963, NC_000004.12:g.16006536A>G), which increases the likelihood that the p.Tyr452LeufsTer13 variant is pathogenic. This variant has also been reported in ClinVar (Variation ID: 372711) and has been interpreted as pathogenic or likely pathogenic by multiple submitters. This variant is predicted to cause a frameshift, which alters the protein‚Äôs amino acid sequence beginning at position 452 and leads to a premature termination codon 13 amino acids downstream. This alteration is then predicted to lead to a truncated or absent protein. Loss of function of the PROM1 gene is an established disease mechanism in autosomal recessive PROM1-associated retinal disease. In summary, this variant meets criteria to be classified as pathogenic for autosomal recessive neuronal PROM1-associated retinal disease. ACMG/AMP Criteria applied: PVS1, PM3_Strong, PP1 (Richards 2015).

Institute of Human Genetics, University of Leipzig Medical Center
Classification: Pathogenic for Cone-rod dystrophy 12. Last evaluated: 2022-11-25. Review status: criteria provided, single submitter. Criteria: ACMG Guidelines, 2015. Collection method: clinical testing. Allele origin: unknown. Affected: yes.
Comment: This variant was identified as homozygous._x000D_ Criteria applied: PVS1, PM3, PP4

NM_006017.3(PROM1):c.1354dup (p.Tyr452fs)

Gene: PROM1 (prominin 1; minus strand). Cytogenetic location: 4p15.32.
Variant type: Duplication.
Coding change: c.1354dup on transcript NM_006017.3 (MANE Select); coding-DNA position 1354, one base duplicated (T; older notation c.1354dupT).
Protein change: p.Tyr452fs; shifts the reading frame from tyrosine 452.
Molecular consequence: frameshift variant.
Genome position (GRCh38, 1-based): chr4:16,006,638, A duplicated on the plus strand (T on the coding strand, the reverse complement: PROM1 is on the minus strand); the first of 6 consecutive A bases (chr4:16,006,638-16,006,643); duplicating any one gives the same sequence. VCF-style (leftmost placement, unchanged base first): chr4-16006637-T-TA. GRCh37 (hg19) VCF-style: chr4-16008260-T-TA.
Other names: NM_006017.3(PROM1):c.1354dup; p.Tyr452fs; p.Tyr452LeufsTer13; c.1354dupT (NM_006017.3, NM_001145849.1, NM_006017.2); c.1327dupT (NM_001145851.2); c.1327dup, p.Tyr443fs (NM_001145847.2, NM_001145848.2, NM_001145851.2 and 4 more transcripts); c.1354dup, p.Tyr452fs (NM_001145849.2, NM_001145850.2); short protein forms Y443fs, Y452fs.
Identifiers: ClinVar variation 372711 (VCV000372711.67), dbSNP rs543698823, ClinGen allele CA2866793.